The following is an entry in ClinVar:

ClinVar aggregate classification (germline): Uncertain significance (1 of 4 stars; one submission).

Conditions:
Cardiovascular phenotype. Identifiers: MedGen CN230736.

gnomAD v4.1: 1 of 1,603,098 alleles (0.000062%); highest among the groups gnomAD compares: Non-Finnish European, 0.000085%; no homozygotes.

Submission:

Ambry Genetics
Classification: Uncertain significance for Cardiovascular phenotype. Last evaluated: 2023-06-01. Review status: criteria provided, single submitter. Criteria: Ambry Variant Classification Scheme 2023. Collection method: clinical testing. Allele origin: germline.
Comment: The p.T473A variant (also known as c.1417A>G), located in coding exon 6 of the MYPN gene, results from an A to G substitution at nucleotide position 1417. The threonine at codon 473 is replaced by alanine, an amino acid with similar properties. This amino acid position is conserved. In addition, this alteration is predicted to be tolerated by in silico analysis. Since supporting evidence is limited at this time, the clinical significance of this alteration remains unclear.

NM_032578.4(MYPN):c.1417A>G (p.Thr473Ala)

Gene: MYPN (myopalladin; plus strand). Cytogenetic location: 10q21.3.
Variant type: single nucleotide variant.
Coding change: c.1417A>G on transcript NM_032578.4 (MANE Select); coding-DNA position 1417, A replaced by G.
Protein change: p.Thr473Ala; replaces threonine 473 with alanine.
Molecular consequence: missense variant. On other transcripts: non-coding transcript variant (2).
Genome position (GRCh38, 1-based): chr10:68,158,585, A>G. VCF-style: chr10-68158585-A-G. GRCh37 (hg19) VCF-style: chr10-69918342-A-G.
Other names: c.1417A>G, p.Thr473Ala (NM_001256267.2); c.535A>G, p.Thr179Ala (NM_001256268.2); short protein forms T473A, T179A.
Identifiers: ClinVar variation 2563983 (VCV002563983.2), dbSNP rs2495676688, ClinGen allele CA376834795.